The following is an entry in ClinVar:

NM_005159.5(ACTC1):c.809-58TG[17]

Genes: ACTC1 (actin alpha cardiac muscle 1; minus strand), GJD2-DT (GJD2 divergent transcript; plus strand). Cytogenetic location: 15q14.
Variant type: Microsatellite.
Coding change: c.809-58TG[17] on transcript NM_005159.5 (MANE Select); 17 copies in a row of the 2-base unit TG starting at c.809-58; the reference has 23 copies in a row; six copies, 12 bases deleted.
Molecular consequence: intron variant.
Genome position (GRCh38, 1-based): chr15:34,791,308-34,791,319, CACACACACACA deleted on the plus strand (TGTGTGTGTGTG on the coding strand, the reverse complement: ACTC1 is on the minus strand); deleting any 12 consecutive bases within chr15:34,791,308-34,791,353 gives the same sequence; the position shown is the placement nearest the transcript's 3' end. VCF-style (leftmost placement, unchanged base first): chr15-34791307-TCACACACACACA-T. GRCh37 (hg19) VCF-style: chr15-35083508-TCACACACACACA-T.
Identifiers: ClinVar variation 315709 (VCV000315709.21), dbSNP rs59431308, ClinGen allele CA10641652.

ClinVar aggregate classification (germline): Benign/Likely benign. Review status: criteria provided, multiple submitters, no conflicts (2 of 4 stars). 5 submissions from 5 submitters: Benign (1); Likely benign (3). 1 of the submissions does not count toward it. Last evaluated 2026-02-04.

Conditions:
Primary dilated cardiomyopathy (DCM). Also called: Dilated Cardiomyopathy. Identifiers: Orphanet 217604, MedGen C0007193, MeSH D002311, MONDO:0005021, HP:0001644. Inheritance: Various modes of inheritance.
ACTC1-related disorder. Also called: ACTC1-related condition.
Hypertrophic cardiomyopathy 11. Also called: ACTC1-Related Familial Hypertrophic Cardiomyopathy. Identifiers: MedGen C2677506, MONDO:0012799, OMIM 612098.
Dilated cardiomyopathy 1R (CMD1R). Identifiers: Orphanet 154, Orphanet 54260, MedGen C3150681, MONDO:0013261, OMIM 613424.
Atrial septal defect 5 (ASD5). Identifiers: Orphanet 1478, MedGen C2748552, MONDO:0013011, OMIM 612794.

Submissions (5):

Labcorp Genetics (formerly Invitae), Labcorp
Classification: Likely benign for Dilated cardiomyopathy 1R; Hypertrophic cardiomyopathy 11; Atrial septal defect 5. Last evaluated: 2026-02-04. Review status: criteria provided, single submitter. Criteria: Invitae Variant Classification Sherloc (09022015). Collection method: clinical testing. Allele origin: germline.

Blueprint Genetics
Classification: Likely benign. Last evaluated: 2024-11-27. Review status: criteria provided, single submitter. Criteria: ACMG Guidelines, 2015. Collection method: clinical testing. Allele origin: germline.

Women's Health and Genetics/Laboratory Corporation of America, LabCorp
Classification: Benign. Last evaluated: 2019-08-13. Review status: criteria provided, single submitter. Criteria: LabCorp Variant Classification Summary - May 2015. Collection method: clinical testing. Allele origin: germline.
Comment: Variant summary: ACTC1 c.809-24_809-13delTGTGTGTGTGTG alters a nucleotide located close to a canonical splice site and therefore could affect mRNA splicing, leading to a significantly altered protein sequence. 5/5 computational tools predict no significant impact on normal splicing. However, these predictions have yet to be confirmed by functional studies. The variant was absent in 106928 control chromosomes (gnomAD). However, the variant is located in a highly polymorphic region within a run of TG dinucleotide tandem repeats. In addition, surrounding variants with variations of TG repeats (expansions and deletions) have been classified as benign. Therefore, suggesting the region is tolerable to expansions and deletions of this dinucleotide sequence. To our knowledge, no occurrence of c.809-24_809-13del12 in individuals affected with Cardiomyopathy and no experimental evidence demonstrating its impact on protein function have been reported. A ClinVar submission (evaluation after 2014) cites the variant as uncertain significance. Based on the evidence outlined above, the variant was classified as benign.

Center for Advanced Laboratory Medicine, UC San Diego Health, University of California San Diego
Classification: Likely benign for Dilated cardiomyopathy. Last evaluated: 2019-06-11. Review status: criteria provided, single submitter. Criteria: ACMG Guidelines, 2015. Collection method: clinical testing. Allele origin: germline. Affected: yes. Observed: 1 variant allele.

PreventionGenetics, part of Exact Sciences
Classification: Likely benign for ACTC1-related condition. Last evaluated: 2021-03-01. Review status: no assertion criteria provided. Collection method: clinical testing. Allele origin: germline. Not counted in ClinVar's aggregate classification.
Comment: This variant is classified as likely benign based on ACMG/AMP sequence variant interpretation guidelines (Richards et al. 2015 PMID: 25741868, with internal and published modifications).